The following is an entry in ClinVar:

ClinVar aggregate classification (germline): Conflicting classifications of pathogenicity. Review status: criteria provided, conflicting classifications (1 of 4 stars). 2 submissions from 2 submitters: Uncertain significance (1); Likely benign (1). Last evaluated 2024-11-25.

Allele frequency attached by ClinVar (database versions not stated): gnomAD exomes 0.00001; TOPMed 0.00002; gnomAD 0.00003.

Submissions (2):

Labcorp Genetics (formerly Invitae), Labcorp
Classification: Likely benign. Last evaluated: 2024-11-25. Review status: criteria provided, single submitter. Criteria: Invitae Variant Classification Sherloc (09022015). Collection method: clinical testing. Allele origin: germline.

Centre of Medical Genetics, University Hospital Muenster
Classification: Uncertain significance. Last evaluated: 2023-03-01. Review status: criteria provided, single submitter. Criteria: ACMG Guidelines, 2015. Collection method: clinical testing. Allele origin: unknown. Affected: yes. Observed: 1 variant allele, 1 heterozygote.
Comment: ACMG categories: PM2,PM4,BP6

NM_001205293.3(CACNA1E):c.2518_2529del (p.Leu840_Glu843del)

Gene: CACNA1E (calcium voltage-gated channel subunit alpha1 E; plus strand). Cytogenetic location: 1q25.3.
Variant type: Deletion.
Coding change: c.2518_2529del on transcript NM_001205293.3 (MANE Select); coding-DNA positions 2518 to 2529, 12 bases deleted (CTGGCCCTGGAG).
Protein change: p.Leu840_Glu843del.
Molecular consequence: inframe deletion.
Genome position (GRCh38, 1-based): chr1:181,732,604-181,732,615, CTGGCCCTGGAG deleted. VCF-style (leftmost placement, unchanged base first): chr1-181732603-CCTGGCCCTGGAG-C. GRCh37 (hg19) VCF-style: chr1-181701739-CCTGGCCCTGGAG-C.
Other names: c.2518_2529del, p.Leu840_Glu843del (NM_000721.4); c.2461_2472del, p.Leu821_Glu824del (NM_001205294.2).
Identifiers: ClinVar variation 1632953 (VCV001632953.10), dbSNP rs1327484784, ClinGen allele CA527599265.
Genomic context (GRCh38, chr1:181,732,603, plus strand): 5'-GCTCAATGCCCACCCCAGCCTTTATCGGCGACCCAGGGCCATTGAGGGCCTGGCCCTGGG[CCTGGCCCTGGAG>C]AAGTTCGAGGAGGAGCGCATCAGCCGTGGGGGGTCCCTCAAGGGGGATGGAGGGGACCGA-3'